The following is an entry in ClinVar:

NM_000051.4(ATM):c.4691C>T (p.Pro1564Leu)

Gene: ATM (ATM serine/threonine kinase; plus strand). Cytogenetic location: 11q22.3.
Variant type: single nucleotide variant.
Coding change: c.4691C>T on transcript NM_000051.4 (MANE Select); coding-DNA position 4691, C replaced by T.
Protein change: p.Pro1564Leu; replaces proline 1564 with leucine.
Molecular consequence: missense variant.
Genome position (GRCh38, 1-based): chr11:108,293,392, C>T. VCF-style: chr11-108293392-C-T. GRCh37 (hg19) VCF-style: chr11-108164119-C-T.
Other names: c.4691C>T, p.Pro1564Leu (NM_001351834.2); short protein forms P1564L.
Identifiers: ClinVar variation 664163 (VCV000664163.9), dbSNP rs1064793971, ClinGen allele CA382534808.

ClinVar aggregate classification (germline): Uncertain significance. Review status: criteria provided, multiple submitters, no conflicts (2 of 4 stars). 2 submissions from 2 submitters: Uncertain significance (2). Last evaluated 2026-06-22.

Conditions:
Hereditary cancer-predisposing syndrome. Also called: Neoplastic Syndromes, Hereditary; Hereditary Cancer Syndrome; Hereditary neoplastic syndrome; Tumor predisposition. Identifiers: Orphanet 140162, MedGen C0027672, MeSH D009386, MONDO:0015356.
Ataxia-telangiectasia syndrome (AT). Also called: LOUIS-BAR SYNDROME; Ataxia telangiectasia (A-T); Ataxia-telangiectasia, complementation group D; AT, COMPLEMENTATION GROUP C; Cerebello-oculocutaneous telangiectasia; Immunodeficiency with ataxia telangiectasia. Identifiers: Orphanet 100, MedGen C0004135, MONDO:0008840, OMIM 208900.

Allele frequency attached by ClinVar (database versions not stated): gnomAD exomes below 0.00001.
gnomAD v4.1: 1 of 1,608,812 alleles (0.000062%); highest among the groups gnomAD compares: Admixed American, 0.0017%; no homozygotes.

Submissions (2):

Ambry Genetics
Classification: Uncertain significance for Hereditary cancer-predisposing syndrome. Last evaluated: 2026-06-22. Review status: criteria provided, single submitter. Criteria: Ambry Variant Classification Scheme 2023. Collection method: clinical testing. Allele origin: germline.
Comment: The p.P1564L variant (also known as c.4691C>T), located in coding exon 30 of the ATM gene, results from a C to T substitution at nucleotide position 4691. The proline at codon 1564 is replaced by leucine, an amino acid with similar properties. In an assay testing ATM function, this variant showed a functionally normal result (Lee KS et al. Cell, 2025 Sep;188:5081-5099.e27). This amino acid position is highly conserved in available vertebrate species. In addition, the in silico prediction for this alteration is inconclusive. Based on the available evidence, the clinical significance of this variant remains unclear.

Labcorp Genetics (formerly Invitae), Labcorp
Classification: Uncertain significance for Ataxia-telangiectasia syndrome. Last evaluated: 2018-12-15. Review status: criteria provided, single submitter. Criteria: Invitae Variant Classification Sherloc (09022015). Collection method: clinical testing. Allele origin: germline.
Comment: This variant is not present in population databases (ExAC no frequency). In summary, the available evidence is currently insufficient to determine the role of this variant in disease. Therefore, it has been classified as a Variant of Uncertain Significance. Algorithms developed to predict the effect of missense changes on protein structure and function (SIFT, PolyPhen-2, Align-GVGD) all suggest that this variant is likely to be disruptive, but these predictions have not been confirmed by published functional studies and their clinical significance is uncertain. This variant has not been reported in the literature in individuals with ATM-related conditions. This sequence change replaces proline with leucine at codon 1564 of the ATM protein (p.Pro1564Leu). The proline residue is highly conserved and there is a moderate physicochemical difference between proline and leucine.

Literature cited by the submitters: PubMed 40580951 (cited by Ambry Genetics).